The following is an entry in ClinVar:

NM_001267550.2(TTN):c.2868del (p.Gly957fs)

Gene: TTN (titin; minus strand). Cytogenetic location: 2q31.2.
Variant type: Deletion.
Coding change: c.2868del on transcript NM_001267550.2 (MANE Select); coding-DNA position 2868, one base deleted (A; older notation c.2868delA).
Protein change: p.Gly957fs; shifts the reading frame from glycine 957.
Molecular consequence: frameshift variant.
Genome position (GRCh38, 1-based): chr2:178,783,038, T deleted on the plus strand (A on the coding strand, the reverse complement: TTN is on the minus strand); the first of 2 consecutive T bases (chr2:178,783,038-178,783,039); deleting either gives the same sequence. VCF-style (leftmost placement, unchanged base first): chr2-178783037-CT-C. GRCh37 (hg19) VCF-style: chr2-179647764-CT-C.
Other names: c.2868del, p.Gly957fs (NM_001256850.1, NM_133378.4, NM_133379.5); c.2730del, p.Gly911fs (NM_003319.4, NM_133432.3, NM_133437.4); c.2868delA (NM_001256850.1); short protein forms G911fs, G957fs.
Identifiers: ClinVar variation 202483 (VCV000202483.4), dbSNP rs794729355, ClinGen allele CA309446.

ClinVar aggregate classification (germline): Conflicting classifications of pathogenicity. Review status: criteria provided, conflicting classifications (1 of 4 stars). 2 submissions from 2 submitters: Likely pathogenic (1); Uncertain significance (1). Last evaluated 2024-08-30.

Conditions:
Dilated cardiomyopathy 1G (CMD1G). Identifiers: Orphanet 154, MedGen C1858763, MONDO:0011400, OMIM 604145.
Autosomal recessive limb-girdle muscular dystrophy type 2J (LGMDR10). Also called: MUSCULAR DYSTROPHY, LIMB-GIRDLE, AUTOSOMAL RECESSIVE 10; Limb-girdle muscular dystrophy, type 2J. Identifiers: Orphanet 140922, MedGen C1837342, MONDO:0012127, OMIM 608807.

Submissions (2):

Labcorp Genetics (formerly Invitae), Labcorp
Classification: Likely pathogenic for Dilated cardiomyopathy 1G; Autosomal recessive limb-girdle muscular dystrophy type 2J. Last evaluated: 2024-08-30. Review status: criteria provided, single submitter. Criteria: Invitae Variant Classification Sherloc (09022015). Collection method: clinical testing. Allele origin: germline.
Comment: This sequence change creates a premature translational stop signal (p.Gly957Valfs*18) in the TTN gene. While this is not anticipated to result in nonsense mediated decay, it is expected to create a truncated TTN protein. This variant is not present in population databases (gnomAD no frequency). This variant has not been reported in the literature in individuals affected with TTN-related conditions. ClinVar contains an entry for this variant (Variation ID: 202483). This variant is located in the Z band of TTN (PMID: 25589632). Truncating variants in this region have been reported in individuals affected with autosomal recessive centronuclear myopathy (PMID: 33449170, internal data). Truncating variants in this region have also been identified in individuals affected with autosomal dominant dilated cardiomyopathy and/or cardio-related conditions (PMID: 27869827, 32964742, internal data). In summary, the currently available evidence indicates that the variant is pathogenic, but additional data are needed to prove that conclusively. Therefore, this variant has been classified as Likely Pathogenic.

GeneDx
Classification: Uncertain significance. Last evaluated: 2013-07-05. Review status: criteria provided, single submitter. Criteria: GeneDx Variant Classification (06012015). Collection method: clinical testing. Allele origin: germline. Affected: yes.
Comment: c.2868delA: p.Gly957ValfsX18 (G957VfsX18) in exon 18 of the TTN gene (NM_001256850.1). The normal sequence with the bases that is deleted in braces is: TAGA{A}GGTG. The c.2868delA variant in the TTN gene has not been reported previously as a disease-causing mutation or as a benign polymorphism to our knowledge. c.2868delA causes a shift in reading frame starting at codon Glycine 957, changing it to a Valine, and creating a premature stop codon at position 18 of the new reading frame, denoted p.Gly957ValfsX18. This variant is expected to result in either an abnormal, truncated protein product or loss of protein from this allele through nonsense-mediated mRNA decay. However, the c.2868delA variant is not located in the A-band region of TTN, where the majority of truncating mutations associated with DCM have been reported (Herman D et al., 2012). Other truncating TTN variants have been reported in approximately 3% of control alleles (Herman D et al., 2012). With the clinical and molecular information available at this time, we cannot definitively determine if c.2868delA is a disease-causing mutation or a rare benign variant. The variant is found in DCM panel(s).

Literature cited by the submitters: PubMed 25589632 (cited by Labcorp Genetics (formerly Invitae), Labcorp); PubMed 33449170 (cited by Labcorp Genetics (formerly Invitae), Labcorp); PubMed 27869827 (cited by Labcorp Genetics (formerly Invitae), Labcorp); PubMed 32964742 (cited by Labcorp Genetics (formerly Invitae), Labcorp).